The following is an entry in ClinVar:

NM_001370466.1(NOD2):c.1279C>G (p.Leu427Val)

Gene: NOD2 (nucleotide binding oligomerization domain containing 2; plus strand). Cytogenetic location: 16q12.1.
Variant type: single nucleotide variant.
Coding change: c.1279C>G on transcript NM_001370466.1 (MANE Select); coding-DNA position 1279, C replaced by G.
Protein change: p.Leu427Val; replaces leucine 427 with valine.
Molecular consequence: missense variant. On other transcripts: non-coding transcript variant (1).
Genome position (GRCh38, 1-based): chr16:50,711,271, C>G. VCF-style: chr16-50711271-C-G. GRCh37 (hg19) VCF-style: chr16-50745182-C-G.
Other names: c.1279C>G, p.Leu427Val (NM_001293557.2); c.1360C>G, p.Leu454Val (NM_022162.3); short protein forms L427V, L454V.
Identifiers: ClinVar variation 3754275 (VCV003754275.2).

ClinVar aggregate classification (germline): Uncertain significance (1 of 4 stars; one submission).

Conditions:
Regional enteritis. Also called: Enteritis, Granulomatous. Identifiers: MedGen C0678202, MeSH D003424.
Blau syndrome (BLAUS). Also called: ARTHROCUTANEOUVEAL GRANULOMATOSIS; GRANULOMATOSIS, FAMILIAL JUVENILE SYSTEMIC; GRANULOMATOSIS, FAMILIAL, BLAU TYPE; GRANULOMATOUS INFLAMMATORY ARTHRITIS, DERMATITIS, AND UVEITIS, FAMILIAL; JABS SYNDROME. Identifiers: Orphanet 90340, MedGen C5201146, MONDO:0008523, OMIM 186580.

Submission:

Labcorp Genetics (formerly Invitae), Labcorp
Classification: Uncertain significance for Regional enteritis; Blau syndrome. Last evaluated: 2025-01-23. Review status: criteria provided, single submitter. Criteria: Invitae Variant Classification Sherloc (09022015). Collection method: clinical testing. Allele origin: germline.
Comment: This sequence change replaces leucine, which is neutral and non-polar, with valine, which is neutral and non-polar, at codon 454 of the NOD2 protein (p.Leu454Val). This variant is not present in population databases (gnomAD no frequency). This variant has not been reported in the literature in individuals affected with NOD2-related conditions. Invitae Evidence Modeling of protein sequence and biophysical properties (such as structural, functional, and spatial information, amino acid conservation, physicochemical variation, residue mobility, and thermodynamic stability) indicates that this missense variant is not expected to disrupt NOD2 protein function with a negative predictive value of 95%. In summary, the available evidence is currently insufficient to determine the role of this variant in disease. Therefore, it has been classified as a Variant of Uncertain Significance.